The following is an entry in ClinVar:

NM_003239.5(TGFB3):c.1034C>G (p.Ser345Ter)

Gene: TGFB3 (transforming growth factor beta 3; minus strand). Cytogenetic location: 14q24.3.
Variant type: single nucleotide variant.
Coding change: c.1034C>G on transcript NM_003239.5 (MANE Select); coding-DNA position 1034, C replaced by G.
Protein change: p.Ser345Ter; replaces serine 345 with a stop codon.
Molecular consequence: nonsense.
Genome position (GRCh38, 1-based): chr14:75,960,969, G>C on the plus strand (C>G on the coding strand, the complement: TGFB3 is on the minus strand). VCF-style: chr14-75960969-G-C. GRCh37 (hg19) VCF-style: chr14-76427312-G-C.
Other names: c.1034C>G, p.Ser345Ter (NM_001329939.2); short protein forms S345*.
Identifiers: ClinVar variation 410269 (VCV000410269.19), dbSNP rs1060502827, ClinGen allele CA16614244.

ClinVar aggregate classification (germline): Pathogenic/Likely pathogenic. Review status: criteria provided, multiple submitters, no conflicts (2 of 4 stars). 6 submissions from 6 submitters: Pathogenic (1); Likely pathogenic (5). Last evaluated 2026-01-06.

Conditions:
Developmental disorder. Identifiers: MedGen C0008073.
Rienhoff syndrome. Also called: LOEYS-DIETZ SYNDROME 5. Identifiers: MedGen C3810012, MONDO:0014262, OMIM 615582.
Arrhythmogenic right ventricular dysplasia 1. Identifiers: Orphanet 3403, MedGen C1862511, MONDO:0007152, OMIM 107970.
Familial thoracic aortic aneurysm and aortic dissection (TAAD). Also called: Thoracic aortic aneurysms and dissections. Identifiers: Orphanet 91387, MedGen C4707243, MONDO:0019625.

Submissions (6):

Variantyx, Inc.
Classification: Likely pathogenic for Rienhoff syndrome. Last evaluated: 2026-01-06. Review status: criteria provided, single submitter. Criteria: Variantyx Assertion Criteria 2022. Collection method: clinical testing. Allele origin: germline. Inheritance: Autosomal dominant inheritance. Affected: yes.
Comment: This is a nonsense variant in the TGFB3 gene (OMIM: 190230). Pathogenic variants in this gene have been associated with autosomal dominant Loeys-Dietz syndrome 5. This variant introduces a premature termination codon in exon 6 out of 7. While this variant is predicted to escape nonsense mediated decay, it is expected to disrupt the last 68 amino acids of the TGFB3 protein, which include a critical cysteine residue (C409) known to participate in disulfide bond formation (PMID: 23824657). Loss of function is a known disease mechanism for TGFB3 in this disorder (PMID: 23824657) (PVS1). This variant is absent from control populations (PM2) and it has not been reported in individuals with TGFB3-related disorders in the databases available for review. Based on the current evidence, this variant is classified as likely pathogenic for autosomal dominant Loeys-Dietz syndrome 5.

GeneDx
Classification: Likely pathogenic. Last evaluated: 2025-12-30. Review status: criteria provided, single submitter. Criteria: GeneDx Variant Classification Process June 2021. Collection method: clinical testing. Allele origin: germline. Affected: yes.
Comment: Has not been previously published as pathogenic or benign to our knowledge; Not observed at significant frequency in large population cohorts (gnomAD); Nonsense variant predicted to result in protein truncation, as the last 68 amino acids are lost, and other loss-of-function variants have been reported downstream in HGMD

Labcorp Genetics (formerly Invitae), Labcorp
Classification: Pathogenic for Rienhoff syndrome. Last evaluated: 2025-12-03. Review status: criteria provided, single submitter. Criteria: Invitae Variant Classification Sherloc (09022015). Collection method: clinical testing. Allele origin: germline.
Comment: This sequence change creates a premature translational stop signal (p.Ser345*) in the TGFB3 gene. It is expected to result in an absent or disrupted protein product. Loss-of-function variants in TGFB3 are known to be pathogenic (PMID: 25835445, 26188975). This variant is not present in population databases (gnomAD no frequency). This variant has not been reported in the literature in individuals affected with TGFB3-related conditions. ClinVar contains an entry for this variant (Variation ID: 410269). For these reasons, this variant has been classified as Pathogenic.

Ambry Genetics
Classification: Likely pathogenic for Familial thoracic aortic aneurysm and aortic dissection. Last evaluated: 2025-08-15. Review status: criteria provided, single submitter. Criteria: Ambry Variant Classification Scheme 2023. Collection method: clinical testing. Allele origin: germline.
Comment: The p.S345* variant (also known as c.1034C>G), located in coding exon 6 of the TGFB3 gene, results from a C to G substitution at nucleotide position 1034. This changes the amino acid from a serine to a stop codon within coding exon 6. This alteration occurs at the 3' terminus of theTGFB3 gene, is not expected to trigger nonsense-mediated mRNA decay, and impacts the last 16% of the protein. However, premature stop codons are typically deleterious in nature and the impacted region is critical for protein function (Ambry internal data). This variant is considered to be rare based on population cohorts in the Genome Aggregation Database (gnomAD). Based on the majority of available evidence to date, this variant is likely to be pathogenic.

Department of Genetics, Rouen University Hospital, Normandy Center for Genomic and Personalized Medicine
Classification: Likely pathogenic for Developmental disorder. Last evaluated: 2022-05-10. Review status: criteria provided, single submitter. Criteria: ACMG Guidelines, 2015. Collection method: clinical testing. Allele origin: maternal. Affected: yes.

Fulgent Genetics
Classification: Likely pathogenic for Arrhythmogenic right ventricular dysplasia 1; Rienhoff syndrome. Last evaluated: 2021-08-31. Review status: criteria provided, single submitter. Criteria: ACMG Guidelines, 2015. Collection method: clinical testing. Allele origin: unknown.

Literature cited by the submitters: PubMed 23824657 (cited by Variantyx, Inc.); PubMed 25835445 (cited by Labcorp Genetics (formerly Invitae), Labcorp); PubMed 26188975 (cited by Labcorp Genetics (formerly Invitae), Labcorp).